The following is an entry in ClinVar:

NM_012470.4(TNPO3):c.759C>G (p.Leu253=)

Gene: TNPO3 (transportin 3; minus strand). Cytogenetic location: 7q32.1.
Variant type: single nucleotide variant.
Coding change: c.759C>G on transcript NM_012470.4 (MANE Select); coding-DNA position 759, C replaced by G.
Protein change: p.Leu253=; no amino-acid change (leucine 253 retained).
Molecular consequence: synonymous variant. On other transcripts: non-coding transcript variant (18).
Genome position (GRCh38, 1-based): chr7:129,001,172, G>C on the plus strand (C>G on the coding strand, the complement: TNPO3 is on the minus strand). VCF-style: chr7-129001172-G-C. GRCh37 (hg19) VCF-style: chr7-128641226-G-C.
Other names: p.Leu253=; c.759C>G, p.Leu253= (NM_001191028.3, NM_001382216.1, NM_001382218.1 and 4 more transcripts); c.840C>G, p.Leu280= (NM_001382217.1); c.615C>G, p.Leu205= (NM_001382221.1).
Identifiers: ClinVar variation 260268 (VCV000260268.15), dbSNP rs2305324, ClinGen allele CA4478330.

ClinVar aggregate classification (germline): Benign. Review status: criteria provided, multiple submitters, no conflicts (2 of 4 stars). 6 submissions from 6 submitters: Benign (6). Last evaluated 2026-02-04.

Conditions:
Autosomal dominant limb-girdle muscular dystrophy type 1F (LGMDD2). Also called: Limb-girdle muscular dystrophy, type 1F; MUSCULAR DYSTROPHY, LIMB-GIRDLE, AUTOSOMAL DOMINANT 2. Identifiers: Orphanet 55595, MedGen C1842062, MONDO:0012034, OMIM 608423.

Allele frequency attached by ClinVar (database versions not stated): gnomAD 0.36061 and 0.35727; gnomAD exomes 0.44309 and 0.40786; 1000 Genomes Project 0.34185; ESP Exome Variant Server 0.37160; ExAC 0.40972; 1000 Genomes Project 30x 0.33370; TOPMed 0.34923.

Submissions (6):

Labcorp Genetics (formerly Invitae), Labcorp
Classification: Benign for Autosomal dominant limb-girdle muscular dystrophy type 1F. Last evaluated: 2026-02-04. Review status: criteria provided, single submitter. Criteria: Invitae Variant Classification Sherloc (09022015). Collection method: clinical testing. Allele origin: germline.

Genome-Nilou Lab
Classification: Benign for Autosomal dominant limb-girdle muscular dystrophy type 1F. Last evaluated: 2021-09-10. Review status: criteria provided, single submitter. Criteria: ACMG Guidelines, 2015. Collection method: clinical testing. Allele origin: germline. Affected: no.

Mayo Clinic Laboratories, Mayo Clinic
Classification: Benign. Last evaluated: 2017-07-24. Review status: criteria provided, single submitter. Criteria: ACMG Guidelines, 2015. Collection method: clinical testing. Allele origin: germline. Observed: 477 variant alleles.

GeneDx
Classification: Benign. Last evaluated: 2016-01-07. Review status: criteria provided, single submitter. Criteria: GeneDx Variant Classification (06012015). Collection method: clinical testing. Allele origin: germline. Affected: yes.
Comment: This variant is considered likely benign or benign based on one or more of the following criteria: it is a conservative change, it occurs at a poorly conserved position in the protein, it is predicted to be benign by multiple in silico algorithms, and/or has population frequency not consistent with disease.

Breakthrough Genomics
Classification: Benign. Review status: criteria provided, single submitter. Criteria: ACMG Guidelines, 2015. Collection method: not provided. Allele origin: germline. Inheritance: Autosomal dominant inheritance. Affected: yes.

PreventionGenetics, part of Exact Sciences
Classification: Benign. Review status: criteria provided, single submitter. Criteria: ACMG Guidelines, 2015. Collection method: clinical testing. Allele origin: germline.